The following is an entry in ClinVar:

NM_000824.5(GLRB):c.123-2A>G

Gene: GLRB (glycine receptor beta; plus strand). Cytogenetic location: 4q32.1.
Variant type: single nucleotide variant.
Coding change: c.123-2A>G on transcript NM_000824.5 (MANE Select); the canonical splice acceptor site of the intron before coding-DNA position 123, A replaced by G.
Molecular consequence: splice acceptor variant.
Genome position (GRCh38, 1-based): chr4:157,120,554, A>G. VCF-style: chr4-157120554-A-G. GRCh37 (hg19) VCF-style: chr4-158041706-A-G.
Other names: c.123-2A>G (NM_001166061.2, NM_001166060.2).
Identifiers: ClinVar variation 574419 (VCV000574419.9), dbSNP rs1415892964, ClinGen allele CA358641580.

ClinVar aggregate classification (germline): Pathogenic (1 of 4 stars; one submission).

Conditions:
Hyperekplexia 2 (HKPX2). Identifiers: Orphanet 3197, MedGen C3553291, MONDO:0013828, OMIM 614619.

Allele frequency attached by ClinVar (database versions not stated): TOPMed 0.00001.

Submission:

Labcorp Genetics (formerly Invitae), Labcorp
Classification: Pathogenic for Hyperekplexia 2. Last evaluated: 2018-05-15. Review status: criteria provided, single submitter. Criteria: Invitae Variant Classification Sherloc (09022015). Collection method: clinical testing. Allele origin: germline.
Comment: For these reasons, this variant has been classified as Pathogenic. Donor and acceptor splice site variants typically lead to a loss of protein function (PMID: 16199547), and loss-of-function variants in GLRB are known to be pathogenic (PMID: 23184146). Algorithms developed to predict the effect of sequence changes on RNA splicing suggest that this variant may disrupt the consensus splice site, but this prediction has not been confirmed by published transcriptional studies. This variant occurs with a pathogenic variant (p.Ser150Lysfs*6) in GLRB in an individual with GLRB-related disease (Invitae). Family studies indicate these two variants are on opposite chromosomes (in trans), which suggests the c.123-2A>G substitution may contribute to disease. This variant is not present in population databases (ExAC no frequency). This sequence change affects an acceptor splice site in intron 2 of the GLRB gene. It is expected to disrupt RNA splicing and likely results in an absent or disrupted protein product.

Literature cited by the submitters: PubMed 16199547; PubMed 23184146.